The following is an entry in ClinVar:

ClinVar aggregate classification (germline): Likely benign. Review status: criteria provided, single submitter (1 of 4 stars). 2 submissions from 2 submitters: Likely benign (1). 1 of the submissions does not count toward it. Last evaluated 2023-06-05.

Conditions:
MYO5B-related disorder. Also called: MYO5B-related condition.

Allele frequency attached by ClinVar (database versions not stated): gnomAD exomes below 0.00001; gnomAD 0.00001; TOPMed 0.00002.
gnomAD v4.1: 2 of 1,613,794 alleles (0.00012%); highest among the groups gnomAD compares: Admixed American, 0.0017%; no homozygotes.

Submissions (2):

Labcorp Genetics (formerly Invitae), Labcorp
Classification: Likely benign. Last evaluated: 2023-06-05. Review status: criteria provided, single submitter. Criteria: Invitae Variant Classification Sherloc (09022015). Collection method: clinical testing. Allele origin: germline.

PreventionGenetics, part of Exact Sciences
Classification: Likely benign for MYO5B-related condition. Last evaluated: 2022-02-18. Review status: no assertion criteria provided. Collection method: clinical testing. Allele origin: germline. Not counted in ClinVar's aggregate classification.
Comment: This variant is classified as likely benign based on ACMG/AMP sequence variant interpretation guidelines (Richards et al. 2015 PMID: 25741868, with internal and published modifications).

NM_001080467.3(MYO5B):c.783C>A (p.Ile261=)

Gene: MYO5B (myosin VB; minus strand). Cytogenetic location: 18q21.1.
Variant type: single nucleotide variant.
Coding change: c.783C>A on transcript NM_001080467.3 (MANE Select); coding-DNA position 783, C replaced by A.
Protein change: p.Ile261=; no amino-acid change (isoleucine 261 retained).
Molecular consequence: synonymous variant.
Genome position (GRCh38, 1-based): chr18:49,990,494, G>T on the plus strand (C>A on the coding strand, the complement: MYO5B is on the minus strand). VCF-style: chr18-49990494-G-T. GRCh37 (hg19) VCF-style: chr18-47516864-G-T.
Other names: c.783C>A (NM_001080467.2).
Identifiers: ClinVar variation 2955884 (VCV002955884.5), dbSNP rs1169632778, ClinGen allele CA503858723.
Genomic context (GRCh38, chr18:49,990,494, plus strand): 5'-CTTACTTAGTGCAAGCTCTTTAAATTCTGGAAGACCGGCAGCAGCACAGAGCTGGTAAAA[G>T]ATGTGGTAATTCCTCTCATCATCTGCCTGGAGGAGGAAGAAGTGAAGCAGTTTTAGGGCA-3'
Protein context (NP_001073936.1, residues 251-271): FQADDERNYH[Ile261=]FYQLCAAAGL